The following is an entry in ClinVar:

ClinVar aggregate classification (germline): Uncertain significance. Review status: criteria provided, multiple submitters, no conflicts (2 of 4 stars). 2 submissions from 2 submitters: Uncertain significance (2). Last evaluated 2025-05-19.

Allele frequency attached by ClinVar (database versions not stated): gnomAD exomes 0.00001; ExAC 0.00001.
gnomAD v4.1: 3 of 1,211,868 alleles (0.00025%); highest among the groups gnomAD compares: Admixed American, 0.0065%; no homozygotes.

Submissions (2):

Labcorp Genetics (formerly Invitae), Labcorp
Classification: Uncertain significance. Last evaluated: 2025-05-19. Review status: criteria provided, single submitter. Criteria: Invitae Variant Classification Sherloc (09022015). Collection method: clinical testing. Allele origin: germline.
Comment: This sequence change replaces glutamic acid, which is acidic and polar, with aspartic acid, which is acidic and polar, at codon 2276 of the HUWE1 protein (p.Glu2276Asp). This variant is present in population databases (rs782782209, gnomAD 0.008%). This variant has not been reported in the literature in individuals affected with HUWE1-related conditions. ClinVar contains an entry for this variant (Variation ID: 2914370). Invitae Evidence Modeling of protein sequence and biophysical properties (such as structural, functional, and spatial information, amino acid conservation, physicochemical variation, residue mobility, and thermodynamic stability) has been performed for this missense variant. However, the output from this modeling did not meet the statistical confidence thresholds required to predict the impact of this variant on HUWE1 protein function. In summary, the available evidence is currently insufficient to determine the role of this variant in disease. Therefore, it has been classified as a Variant of Uncertain Significance.

GeneDx
Classification: Uncertain significance. Last evaluated: 2025-05-13. Review status: criteria provided, single submitter. Criteria: GeneDx Variant Classification Process June 2021. Collection method: clinical testing. Allele origin: germline. Affected: yes.
Comment: In silico analysis suggests that this missense variant does not alter protein structure/function; Has not been previously published as pathogenic or benign to our knowledge

NM_031407.7(HUWE1):c.6828G>T (p.Glu2276Asp)

Gene: HUWE1 (HECT, UBA and WWE domain containing E3 ubiquitin protein ligase 1; minus strand). Cytogenetic location: Xp11.22.
Variant type: single nucleotide variant.
Coding change: c.6828G>T on transcript NM_031407.7 (MANE Select); coding-DNA position 6828, G replaced by T.
Protein change: p.Glu2276Asp; replaces glutamic acid 2276 with aspartic acid.
Molecular consequence: missense variant.
Genome position (GRCh38, 1-based): chrX:53,565,119, C>A on the plus strand (G>T on the coding strand, the complement: HUWE1 is on the minus strand). VCF-style: chrX-53565119-C-A. GRCh37 (hg19) VCF-style: chrX-53592080-C-A.
Other names: c.6828G>T (NM_031407.4); short protein forms E2276D.
Identifiers: ClinVar variation 2914370 (VCV002914370.4), dbSNP rs782782209, ClinGen allele CA10422043.
Genomic context (GRCh38, chrX:53,565,119, plus strand): 5'-TTCCCTACCTGGGTCCTGCTGGTTGCTACTGGAATCTTGAGAGGCTCCTTGGGCATCCTG[C>A]TCAGACTTGTTCTTGCTAGAAGCACTCTTGCTGCCAAAAAGGCTACTGGGCTGGTTCACA-3'
Protein context (NP_113584.3, residues 2266-2286): SKSASSKNKS[Glu2276Asp]QDAQGASQDS